The following is an entry in ClinVar:

NM_001371623.1(TCOF1):c.1257_1258del (p.Ser419fs)

Gene: TCOF1 (treacle ribosome biogenesis factor 1; plus strand). Cytogenetic location: 5q32.
Variant type: Deletion.
Coding change: c.1257_1258del on transcript NM_001371623.1 (MANE Select); coding-DNA positions 1257 to 1258, 2 bases deleted (TG; older notation c.1257_1258delTG).
Protein change: p.Ser419fs; shifts the reading frame from serine 419.
Molecular consequence: frameshift variant.
Genome position (GRCh38, 1-based): chr5:150,374,790-150,374,791, TG deleted; deleting any 2 consecutive bases within chr5:150,374,789-150,374,791 gives the same sequence; the c. name uses the placement nearest the transcript's 3' end. VCF-style (leftmost placement, unchanged base first): chr5-150374788-AGT-A. GRCh37 (hg19) VCF-style: chr5-149754351-AGT-A.
Other names: c.1026_1027del, p.Ser342fs (NM_000356.4, NM_001135245.2, NM_001437406.1); c.1257_1258del, p.Ser419fs (NM_001008657.3, NM_001135243.2, NM_001135244.2 and 1 more transcripts); short protein forms S342fs, S419fs.
Identifiers: ClinVar variation 4712821 (VCV004712821.1).
Genomic context (GRCh38, chr5:150,374,788, plus strand): 5'-GCCAAGGCCCAGGCGGGGAAGCGGGAGGAGGACTCGCAGAGCAGCAGCGAGGAATCGGAC[AGT>A]GAGGAGGAGGCGCCTGCTCAGGTGAGGCAGAGGGGAGGGGTGGAGAGTAGCCCCATGCCT-3'

ClinVar aggregate classification (germline): Pathogenic (1 of 4 stars; one submission).

Conditions:
Treacher Collins syndrome 1 (TCS1). Also called: TCOF1-Related Treacher Collins Syndrome. Identifiers: Orphanet 861, MedGen CN315775, MONDO:0007944, OMIM 154500.

Submission:

Labcorp Genetics (formerly Invitae), Labcorp
Classification: Pathogenic for Treacher Collins syndrome 1. Last evaluated: 2025-02-11. Review status: criteria provided, single submitter. Criteria: Invitae Variant Classification Sherloc (09022015). Collection method: clinical testing. Allele origin: germline.
Comment: This sequence change creates a premature translational stop signal (p.Ser419Argfs*38) in the TCOF1 gene. It is expected to result in an absent or disrupted protein product. Loss-of-function variants in TCOF1 are known to be pathogenic (PMID: 8894686, 22317976). This variant is not present in population databases (gnomAD no frequency). This variant has not been reported in the literature in individuals affected with TCOF1-related conditions. For these reasons, this variant has been classified as Pathogenic.

Literature cited by the submitters: PubMed 8894686; PubMed 22317976.